The following is an entry in ClinVar:

NM_000235.4(LIPA):c.833A>G (p.Asp278Gly)

Gene: LIPA (lipase A, lysosomal acid type; minus strand). Cytogenetic location: 10q23.31.
Variant type: single nucleotide variant.
Coding change: c.833A>G on transcript NM_000235.4 (MANE Select); coding-DNA position 833, A replaced by G.
Protein change: p.Asp278Gly; replaces aspartic acid 278 with glycine.
Molecular consequence: missense variant.
Genome position (GRCh38, 1-based): chr10:89,222,572, T>C on the plus strand (A>G on the coding strand, the complement: LIPA is on the minus strand). VCF-style: chr10-89222572-T-C. GRCh37 (hg19) VCF-style: chr10-90982329-T-C.
Other names: c.833A>G, p.Asp278Gly (NM_001440825.1, NM_001440826.1, NM_001440827.1 and 16 more transcripts); c.485A>G, p.Asp162Gly (NM_001288979.2); c.965A>G, p.Asp322Gly (NM_001440836.1); c.854A>G, p.Asp285Gly (NM_001440837.1); c.848A>G, p.Asp283Gly (NM_001440838.1); c.665A>G, p.Asp222Gly (NM_001440839.1); short protein forms D222G, D285G, D322G, D278G, D162G, D283G.
Identifiers: ClinVar variation 4098203 (VCV004098203.1).

ClinVar aggregate classification (germline): Uncertain significance (1 of 4 stars; one submission).

Conditions:
Cardiovascular phenotype. Identifiers: MedGen CN230736.

gnomAD v4.1: 1 of 1,594,156 alleles (0.000063%); highest among the groups gnomAD compares: Non-Finnish European, 0.000086%; no homozygotes.

Submission:

Ambry Genetics
Classification: Uncertain significance for Cardiovascular phenotype. Last evaluated: 2025-07-22. Review status: criteria provided, single submitter. Criteria: Ambry Variant Classification Scheme 2023. Collection method: clinical testing. Allele origin: germline.
Comment: The p.D278G variant (also known as c.833A>G), located in coding exon 7 of the LIPA gene, results from an A to G substitution at nucleotide position 833. The aspartic acid at codon 278 is replaced by glycine, an amino acid with similar properties. This amino acid position is conserved. In addition, this alteration is predicted to be tolerated by in silico analysis. Based on the available evidence, the clinical significance of this variant remains unclear.